The following is an entry in ClinVar:

ClinVar aggregate classification (germline): Uncertain significance (1 of 4 stars; one submission).

gnomAD v4.1: 2 of 1,610,100 alleles (0.00012%); highest among the groups gnomAD compares: Non-Finnish European, 0.00017%; no homozygotes.

Submission:

GeneDx
Classification: Uncertain significance. Last evaluated: 2025-06-05. Review status: criteria provided, single submitter. Criteria: GeneDx Variant Classification Process June 2021. Collection method: clinical testing. Allele origin: germline. Affected: yes.
Comment: Not observed at significant frequency in large population cohorts (gnomAD); In silico analysis supports that this missense variant has a deleterious effect on protein structure/function; Has not been previously published as pathogenic or benign to our knowledge

NM_006939.4(SOS2):c.1886A>G (p.Tyr629Cys)

Gene: SOS2 (SOS Ras/Rho guanine nucleotide exchange factor 2; minus strand). Cytogenetic location: 14q21.3.
Variant type: single nucleotide variant.
Coding change: c.1886A>G on transcript NM_006939.4 (MANE Select); coding-DNA position 1886, A replaced by G.
Protein change: p.Tyr629Cys; replaces tyrosine 629 with cysteine.
Molecular consequence: missense variant.
Genome position (GRCh38, 1-based): chr14:50,158,613, T>C on the plus strand (A>G on the coding strand, the complement: SOS2 is on the minus strand). VCF-style: chr14-50158613-T-C. GRCh37 (hg19) VCF-style: chr14-50625331-T-C.
Other names: c.1787A>G, p.Tyr596Cys (NM_001411020.1); short protein forms Y596C, Y629C.
Identifiers: ClinVar variation 4536164 (VCV004536164.1).